The following is an entry in ClinVar:

ClinVar aggregate classification (germline): Benign. Review status: criteria provided, multiple submitters, no conflicts (2 of 4 stars). 2 submissions from 2 submitters: Benign (2). Last evaluated 2018-06-18.

Allele frequency attached by ClinVar (database versions not stated): ESP Exome Variant Server 0.46156; gnomAD 0.48785; TOPMed 0.49116; 1000 Genomes Project 0.55731; 1000 Genomes Project 30x 0.56246.
gnomAD v4.1: 699,916 of 1,602,374 alleles (44%); highest among the groups gnomAD compares: East Asian, 61%; 156,738 homozygotes.

Submissions (2):

GeneDx
Classification: Benign. Last evaluated: 2018-06-18. Review status: criteria provided, single submitter. Criteria: GeneDx Variant Classification (06012015). Collection method: clinical testing. Allele origin: germline. Affected: yes.
Comment: This variant is considered likely benign or benign based on one or more of the following criteria: it is a conservative change, it occurs at a poorly conserved position in the protein, it is predicted to be benign by multiple in silico algorithms, and/or has population frequency not consistent with disease.

Breakthrough Genomics
Classification: Benign. Review status: criteria provided, single submitter. Criteria: ACMG Guidelines, 2015. Collection method: not provided. Allele origin: germline. Inheritance: Autosomal dominant inheritance. Affected: yes.

NM_024334.3(TMEM43):c.442+51T>C

Gene: TMEM43 (transmembrane protein 43; plus strand). Cytogenetic location: 3p25.1.
Variant type: single nucleotide variant.
Coding change: c.442+51T>C on transcript NM_024334.3 (MANE Select); 51 bases into the intron after coding-DNA position 442, T replaced by C.
Molecular consequence: intron variant.
Genome position (GRCh38, 1-based): chr3:14,132,646, T>C. VCF-style: chr3-14132646-T-C. GRCh37 (hg19) VCF-style: chr3-14174146-T-C.
Identifiers: ClinVar variation 671030 (VCV000671030.2), dbSNP rs4685075, ClinGen allele CA053657.